The following is an entry in ClinVar:

ClinVar aggregate classification (germline): Conflicting classifications of pathogenicity. Review status: criteria provided, conflicting classifications (1 of 4 stars). 2 submissions from 2 submitters: Pathogenic (1); Uncertain significance (1). Last evaluated 2021-09-02.

Conditions:
Developmental and epileptic encephalopathy 94 (DEE94). Also called: CHD2-Related Neurodevelopmental Disorders; Epileptic encephalopathy, childhood-onset. Identifiers: Orphanet 1942, Orphanet 2382, MedGen C3809278, MONDO:0014150, OMIM 615369.

Submissions (2):

Labcorp Genetics (formerly Invitae), Labcorp
Classification: Pathogenic for Developmental and epileptic encephalopathy 94. Last evaluated: 2021-09-02. Review status: criteria provided, single submitter. Criteria: Invitae Variant Classification Sherloc (09022015). Collection method: clinical testing. Allele origin: germline.
Comment: This sequence change replaces threonine with isoleucine at codon 920 of the CHD2 protein (p.Thr920Ile). The threonine residue is highly conserved and there is a moderate physicochemical difference between threonine and isoleucine. This variant is not present in population databases (ExAC no frequency). This missense change has been observed in individual(s) with clinical features of childhood-onset epileptic encephalopathy (Invitae). In at least one individual the variant was observed to be de novo. Advanced modeling of protein sequence and biophysical properties (such as structural, functional, and spatial information, amino acid conservation, physicochemical variation, residue mobility, and thermodynamic stability) performed at Invitae indicates that this missense variant is expected to disrupt CHD2 protein function. For these reasons, this variant has been classified as Pathogenic.

GeneDx
Classification: Uncertain significance. Last evaluated: 2020-09-08. Review status: criteria provided, single submitter. Criteria: GeneDx Variant Classification Process June 2021. Collection method: clinical testing. Allele origin: germline. Affected: yes.
Comment: Not observed in large population cohorts (Lek et al., 2016); In silico analysis, which includes protein predictors and evolutionary conservation, supports a deleterious effect; Has not been previously published as pathogenic or benign to our knowledge

NM_001271.4(CHD2):c.2759C>T (p.Thr920Ile)

Gene: CHD2 (chromodomain helicase DNA binding protein 2; plus strand). Cytogenetic location: 15q26.1.
Variant type: single nucleotide variant.
Coding change: c.2759C>T on transcript NM_001271.4 (MANE Select); coding-DNA position 2759, C replaced by T.
Protein change: p.Thr920Ile; replaces threonine 920 with isoleucine.
Molecular consequence: missense variant.
Genome position (GRCh38, 1-based): chr15:92,979,166, C>T. VCF-style: chr15-92979166-C-T. GRCh37 (hg19) VCF-style: chr15-93522396-C-T.
Other names: short protein forms T920I.
Identifiers: ClinVar variation 1311457 (VCV001311457.7), dbSNP rs2141844210, ClinGen allele CA393894070.